The following is an entry in ClinVar:

NM_145290.4(ADGRA3):c.1387G>T (p.Val463Leu)

Gene: ADGRA3 (adhesion G protein-coupled receptor A3; minus strand). Cytogenetic location: 4p15.2.
Variant type: single nucleotide variant.
Coding change: c.1387G>T on transcript NM_145290.4 (MANE Select); coding-DNA position 1387, G replaced by T.
Protein change: p.Val463Leu; replaces valine 463 with leucine.
Molecular consequence: missense variant.
Genome position (GRCh38, 1-based): chr4:22,435,367, C>A on the plus strand (G>T on the coding strand, the complement: ADGRA3 is on the minus strand). VCF-style: chr4-22435367-C-A. GRCh37 (hg19) VCF-style: chr4-22436990-C-A.
Other names: short protein forms V463L.
Identifiers: ClinVar variation 968405 (VCV000968405.10), dbSNP rs146147575, ClinGen allele CA2873969.

ClinVar aggregate classification (germline): Uncertain significance (1 of 4 stars; one submission).

Allele frequency attached by ClinVar (database versions not stated): gnomAD exomes below 0.00001; TOPMed 0.00002.
gnomAD v4.1: 1 of 1,613,538 alleles (0.000062%); highest among the groups gnomAD compares: Non-Finnish European, 0.000085%; no homozygotes.

Submissions (2):

Labcorp Genetics (formerly Invitae), Labcorp
Classification: Uncertain significance. Last evaluated: 2019-10-10. Review status: criteria provided, single submitter. Criteria: Invitae Variant Classification Sherloc (09022015). Collection method: clinical testing. Allele origin: germline.
Comment: In summary, the available evidence is currently insufficient to determine the role of this variant in disease. Therefore, it has been classified as a Variant of Uncertain Significance. Algorithms developed to predict the effect of missense changes on protein structure and function are either unavailable or do not agree on the potential impact of this missense change (SIFT: "Tolerated"; PolyPhen-2: "Benign"; Align-GVGD: "Class C0"). This variant has not been reported in the literature in individuals with ADGRA3-related conditions. This variant is present in population databases (rs146147575, ExAC 0.005%). This sequence change replaces valine with leucine at codon 463 of the ADGRA3 protein (p.Val463Leu). The valine residue is highly conserved and there is a small physicochemical difference between valine and leucine.

Dr. Peter K. Rogan Lab, Western University
No classification provided (evidence only). Condition: Thyroid cancer, nonmedullary, 1. Review status: no classification provided. Collection method: in vitro. Allele origin: not applicable. Functional consequence: retained intron. Not counted in ClinVar's aggregate classification.